The following is an entry in ClinVar:

ClinVar aggregate classification (germline): Pathogenic/Likely pathogenic. Review status: criteria provided, multiple submitters, no conflicts (2 of 4 stars). 3 submissions from 3 submitters: Pathogenic (2); Likely pathogenic (1). Last evaluated 2022-12-31.

Conditions:
Congenital factor V deficiency. Also called: LABILE FACTOR DEFICIENCY; Hereditary factor V deficiency disease; OWREN PARAHEMOPHILIA; PARAHEMOPHILIA. Identifiers: Orphanet 326, MedGen C0015499, MONDO:0009210, OMIM 227400.

Allele frequency attached by ClinVar (database versions not stated): gnomAD exomes below 0.00001; TOPMed below 0.00001; ExAC 0.00001; gnomAD 0.00001.
gnomAD v4.1: 5 of 1,613,426 alleles (0.00031%); highest among the groups gnomAD compares: South Asian, 0.0022%; no homozygotes.

Submissions (3):

Labcorp Genetics (formerly Invitae), Labcorp
Classification: Pathogenic for Congenital factor V deficiency. Last evaluated: 2022-12-31. Review status: criteria provided, single submitter. Criteria: Invitae Variant Classification Sherloc (09022015). Collection method: clinical testing. Allele origin: germline.
Comment: For these reasons, this variant has been classified as Pathogenic. This variant has not been reported in the literature in individuals affected with F5-related conditions. This variant is present in population databases (rs767477438, gnomAD 0.003%). This sequence change creates a premature translational stop signal (p.Arg146*) in the F5 gene. It is expected to result in an absent or disrupted protein product. Loss-of-function variants in F5 are known to be pathogenic (PMID: 30924984).

Victorian Clinical Genetics Services, Murdoch Childrens Research Institute
Classification: Pathogenic for Congenital factor V deficiency. Last evaluated: 2022-09-02. Review status: criteria provided, single submitter. Criteria: ACMG Guidelines, 2015. Collection method: clinical testing. Allele origin: germline. Inheritance: Autosomal recessive inheritance. Affected: no.
Comment: Based on the classification scheme VCGS_Germline_v1.3.4, this variant is classified as Pathogenic. Following criteria are met: 0103 - Loss of function and gain of function are known mechanisms of disease in this gene. Loss of function leads to factor V deficiency (MIM#227400), whereas gain of function is associated with thrombophilia due to activated protein C resistance (MIM#188055) (PMID: 30297698). (I) 0108 - This gene is associated with both recessive and dominant disease. Factor V deficiency (MIM# 227400) is inherited in a recessive manner, however thrombophilia due to activated protein C resistance (MIM#188055) is autosomal dominant, although the risk is increased when recessive inheritance occurs. (I) 0201 - Variant is predicted to cause nonsense-mediated decay (NMD) and loss of protein (premature termination codon is located at least 54 nucleotides upstream of the final exon-exon junction). (SP) 0251 - This variant is heterozygous. (I) 0304 - Variant is present in gnomAD (v2) <0.01 for a condition (2 heterozygotes, 0 homozygotes). (SP) 0701 - Other NMD-predicted variants comparable to the one identified in this case have very strong previous evidence for pathogenicity (DECIPHER). (SP) 0807 - This variant has no previous evidence of pathogenicity. (I) 0905 - No published segregation evidence has been identified for this variant. (I) 1007 - No published functional evidence has been identified for this variant. (I) Legend: (SP) - Supporting pathogenic, (I) - Information, (SB) - Supporting benign

Laboratory for Molecular Medicine, Mass General Brigham Personalized Medicine
Classification: Likely pathogenic for Congenital factor V deficiency. Last evaluated: 2022-08-26. Review status: criteria provided, single submitter. Criteria: ACMG Guidelines, 2015. Collection method: clinical testing. Allele origin: germline.
Comment: The p.Arg146X variant in F5 has not been previously reported in individuals with Factor V deficiency and was absent from large population studies. This nonsense variant leads to a premature termination codon at position 136, which is predicted to lead to a truncated or absent protein. Loss of function of the F5 gene is an established disease mechanism in autosomal recessive Factor V deficiency. In summary, although additional studies are required to fully establish its clinical significance, this variant meets criteria to be classified as likely pathogenic for autosomal recessive Factor V deficiency. ACMG/AMP criteria applied: PVS1, PM2_Supporting.

Literature cited by the submitters: PubMed 30924984 (cited by Labcorp Genetics (formerly Invitae), Labcorp); PubMed 30297698 (cited by Victorian Clinical Genetics Services, Murdoch Childrens Research Institute).

NM_000130.5(F5):c.436C>T (p.Arg146Ter)

Gene: F5 (coagulation factor V; minus strand). Cytogenetic location: 1q24.2.
Variant type: single nucleotide variant.
Coding change: c.436C>T on transcript NM_000130.5 (MANE Select); coding-DNA position 436, C replaced by T.
Protein change: p.Arg146Ter; replaces arginine 146 with a stop codon.
Molecular consequence: nonsense.
Genome position (GRCh38, 1-based): chr1:169,560,704, G>A on the plus strand (C>T on the coding strand, the complement: F5 is on the minus strand). VCF-style: chr1-169560704-G-A. GRCh37 (hg19) VCF-style: chr1-169529942-G-A.
Other names: short protein forms R146*.
Identifiers: ClinVar variation 2893671 (VCV002893671.5), dbSNP rs767477438, ClinGen allele CA1234608.